The following is an entry in ClinVar:

ClinVar aggregate classification (germline): Uncertain significance (1 of 4 stars; one submission).

Submission:

GeneDx
Classification: Uncertain significance. Last evaluated: 2026-04-23. Review status: criteria provided, single submitter. Criteria: GeneDx Variant Classification Process June 2021. Collection method: clinical testing. Allele origin: germline.
Comment: Not observed at significant frequency in large population cohorts (gnomAD); In silico analysis supports that this missense variant has a deleterious effect on protein structure/function; Has not been previously published as pathogenic or benign to our knowledge

NM_002382.5(MAX):c.395C>T (p.Ser132Phe)

Gene: MAX (MYC associated transcriptional regulator X; minus strand). Cytogenetic location: 14q23.3.
Variant type: single nucleotide variant.
Coding change: c.395C>T on transcript NM_002382.5 (MANE Select); coding-DNA position 395, C replaced by T.
Protein change: p.Ser132Phe; replaces serine 132 with phenylalanine.
Molecular consequence: missense variant. On other transcripts: 3 prime UTR variant (12), non-coding transcript variant (7), intron variant (2).
Genome position (GRCh38, 1-based): chr14:65,076,564, G>A on the plus strand (C>T on the coding strand, the complement: MAX is on the minus strand). VCF-style: chr14-65076564-G-A. GRCh37 (hg19) VCF-style: chr14-65543282-G-A.
Other names: c.*184C>T (NM_001407101.1, NM_001407103.1, NM_001407109.1 and 4 more transcripts); c.*168C>T (NM_001407102.1, NM_001407104.1, NM_001407108.1 and 2 more transcripts); c.206C>T, p.Ser69Phe (NM_001407105.1, NM_001407106.1, NM_001407107.1 and 1 more transcripts); c.194C>T, p.Ser65Phe (NM_001407111.1, NM_001407112.1); c.368C>T, p.Ser123Phe (NM_145112.3, NM_001407095.1); c.144+17144C>T (NM_001271069.2); c.171+17144C>T (NM_197957.4); c.395C>T, p.Ser132Phe (NM_001407094.1); and 1 more; short protein forms S123F, S132F, S65F, S69F, S96F.
Identifiers: ClinVar variation 5037345 (VCV005037345.1).
Genomic context (GRCh38, chr14:65,076,564, plus strand): 5'-CTGCTTTGGGGCTCTTCAGGCTCAGACTCCGAGCTGGAGTCCGAGCCCCCATCGAAGGCA[G>A]AGATGGTGCTGCCCTTGGCGTTGGTGTAGAGGCTGTTGTCTGAGGAGGGGTAGTTGGTCT-3'
Protein context (NP_002373.3, residues 122-142): LYTNAKGSTI[Ser132Phe]AFDGGSDSSS